The following is an entry in ClinVar:

NM_000363.5(TNNI3):c.246G>T (p.Pro82=)

Gene: TNNI3 (troponin I3, cardiac type; minus strand). Cytogenetic location: 19q13.42.
Variant type: single nucleotide variant.
Coding change: c.246G>T on transcript NM_000363.5 (MANE Select); coding-DNA position 246, G replaced by T.
Protein change: p.Pro82=; no amino-acid change (proline 82 retained).
Molecular consequence: synonymous variant.
Genome position (GRCh38, 1-based): chr19:55,156,237, C>A on the plus strand (G>T on the coding strand, the complement: TNNI3 is on the minus strand). VCF-style: chr19-55156237-C-A. GRCh37 (hg19) VCF-style: chr19-55667605-C-A.
Identifiers: ClinVar variation 43369 (VCV000043369.20), dbSNP rs397516343, ClinGen allele CA021418.

ClinVar aggregate classification (germline): Likely benign. Review status: criteria provided, multiple submitters, no conflicts (2 of 4 stars). 8 submissions from 8 submitters: Likely benign (8). Last evaluated 2025-12-23.

Conditions:
Cardiovascular phenotype. Identifiers: MedGen CN230736.
Cardiomyopathy (CMYO). Also called: Cardiomyopathies. Identifiers: Orphanet 167848, MedGen C0878544, MONDO:0004994, HP:0001638. Inheritance: Various modes of inheritance.
Hypertrophic cardiomyopathy. Also called: HYPERTROPHIC MYOCARDIOPATHY. Identifiers: Orphanet 217569, MedGen C0007194, MeSH D002312, MONDO:0005045, HP:0001639.

Allele frequency attached by ClinVar (database versions not stated): TOPMed 0.00005; gnomAD 0.00007; ExAC 0.00003; gnomAD exomes 0.00003.
gnomAD v4.1: 178 of 1,612,404 alleles (0.011%); highest among the groups gnomAD compares: Non-Finnish European, 0.015%; no homozygotes.

Submissions (8):

Labcorp Genetics (formerly Invitae), Labcorp
Classification: Likely benign for Hypertrophic cardiomyopathy. Last evaluated: 2025-12-23. Review status: criteria provided, single submitter. Criteria: Invitae Variant Classification Sherloc (09022015). Collection method: clinical testing. Allele origin: germline.

Women's Health and Genetics/Laboratory Corporation of America, LabCorp
Classification: Likely benign. Last evaluated: 2025-07-17. Review status: criteria provided, single submitter. Criteria: LabCorp Variant Classification Summary - May 2015. Collection method: clinical testing. Allele origin: germline.

All of Us Research Program, National Institutes of Health
Classification: Likely benign for Hypertrophic cardiomyopathy. Last evaluated: 2024-02-05. Review status: criteria provided, single submitter. Criteria: ACMG Guidelines, 2015. Collection method: clinical testing. Allele origin: germline. Inheritance: Autosomal dominant inheritance. Observed: 11 variant alleles, 11 heterozygotes.
Comment: This study involves interpretation of variants in research participants for the purpose of population health screening. Participant phenotype was not available at the time of variant classification. Additional details can be found in publication PMID: 35346344, PMCID: PMC8962531

Ambry Genetics
Classification: Likely benign for Cardiovascular phenotype. Last evaluated: 2022-08-29. Review status: criteria provided, single submitter. Criteria: Ambry Variant Classification Scheme 2023. Collection method: clinical testing. Allele origin: germline.

Color Diagnostics, LLC DBA Color Health
Classification: Likely benign for Cardiomyopathy. Last evaluated: 2019-04-26. Review status: criteria provided, single submitter. Criteria: ACMG Guidelines, 2015. Collection method: clinical testing. Allele origin: germline.

GeneDx
Classification: Likely benign. Last evaluated: 2017-03-30. Review status: criteria provided, single submitter. Criteria: GeneDx Variant Classification (06012015). Collection method: clinical testing. Allele origin: germline. Affected: yes.
Comment: This variant is considered likely benign or benign based on one or more of the following criteria: it is a conservative change, it occurs at a poorly conserved position in the protein, it is predicted to be benign by multiple in silico algorithms, and/or has population frequency not consistent with disease.

CHEO Genetics Diagnostic Laboratory, Children's Hospital of Eastern Ontario
Classification: Likely benign for Cardiomyopathy. Last evaluated: 2016-12-29. Review status: criteria provided, single submitter. Criteria: ACMG Guidelines, 2015. Collection method: clinical testing. Allele origin: germline. Study: Canadian Open Genetics Repository.

Laboratory for Molecular Medicine, Mass General Brigham Personalized Medicine
Classification: Likely benign. Last evaluated: 2012-06-04. Review status: criteria provided, single submitter. Criteria: LMM Criteria. Collection method: clinical testing. Allele origin: germline. Observed: 1 variant allele.
Comment: Pro82Pro in exon 5 of TNNI3: This variant is not expected to have clinical signi ficance because it does not alter an amino acid residue and is not located withi n the splice consensus sequence. Pro82Pro in exon 5 of TNNI3 (allele frequency = n/a)